The following is an entry in ClinVar:

ClinVar aggregate classification (germline): Uncertain significance (1 of 4 stars; one submission).

Conditions:
Epilepsy, childhood absence, susceptibility to, 1. Also called: Epilepsy, childhood absence 1. Identifiers: Orphanet 64280, MedGen C1838604, MONDO:0020759, OMIM 600131.
Epilepsy, childhood absence, susceptibility to, 5. Identifiers: Orphanet 64280, MedGen C2677087, MONDO:0012843, OMIM 612269.

Submission:

Labcorp Genetics (formerly Invitae), Labcorp
Classification: Uncertain significance for Epilepsy, childhood absence, susceptibility to, 5; Epilepsy, childhood absence, susceptibility to, 1. Last evaluated: 2021-05-18. Review status: criteria provided, single submitter. Criteria: Invitae Variant Classification Sherloc (09022015). Collection method: clinical testing. Allele origin: germline.
Comment: Advanced modeling of protein sequence and biophysical properties (such as structural, functional, and spatial information, amino acid conservation, physicochemical variation, residue mobility, and thermodynamic stability) performed at Invitae indicates that this missense variant is expected to disrupt GABRB3 protein function. This sequence change replaces asparagine with threonine at codon 138 of the GABRB3 protein (p.Asn138Thr). The asparagine residue is highly conserved and there is a small physicochemical difference between asparagine and threonine. This variant is not present in population databases (ExAC no frequency). This variant has not been reported in the literature in individuals with GABRB3-related conditions. In summary, the available evidence is currently insufficient to determine the role of this variant in disease. Therefore, it has been classified as a Variant of Uncertain Significance.

NM_000814.6(GABRB3):c.413A>C (p.Asn138Thr)

Gene: GABRB3 (gamma-aminobutyric acid type A receptor subunit beta3; minus strand). Cytogenetic location: 15q12.
Variant type: single nucleotide variant.
Coding change: c.413A>C on transcript NM_000814.6 (MANE Select); coding-DNA position 413, A replaced by C.
Protein change: p.Asn138Thr; replaces asparagine 138 with threonine.
Molecular consequence: missense variant. On other transcripts: non-coding transcript variant (1).
Genome position (GRCh38, 1-based): chr15:26,621,362, T>G on the plus strand (A>C on the coding strand, the complement: GABRB3 is on the minus strand). VCF-style: chr15-26621362-T-G. GRCh37 (hg19) VCF-style: chr15-26866509-T-G.
Other names: c.413A>C, p.Asn138Thr (NM_021912.5); c.158A>C, p.Asn53Thr (NM_001191320.2, NM_001278631.2); c.200A>C, p.Asn67Thr (NM_001191321.3); short protein forms N138T, N53T, N67T.
Identifiers: ClinVar variation 1004692 (VCV001004692.8), dbSNP rs1892475991, ClinGen allele CA391460728.